The following is an entry in ClinVar:

NM_198578.4(LRRK2):c.1656G>A (p.Arg552=)

Gene: LRRK2 (leucine rich repeat kinase 2; plus strand). Cytogenetic location: 12q12.
Variant type: single nucleotide variant.
Coding change: c.1656G>A on transcript NM_198578.4 (MANE Select); coding-DNA position 1656, G replaced by A.
Protein change: p.Arg552=; no amino-acid change (arginine 552 retained).
Molecular consequence: synonymous variant.
Genome position (GRCh38, 1-based): chr12:40,263,901, G>A. VCF-style: chr12-40263901-G-A. GRCh37 (hg19) VCF-style: chr12-40657703-G-A.
Identifiers: ClinVar variation 4706797 (VCV004706797.1).
Genomic context (GRCh38, chr12:40,263,901, plus strand): 5'-GGTTAAAAAACAGTGTTTCAAGAATGATATTCACAAACTGGTCCTAGCAGCTTTGAACAG[G>A]GTATGTTGAATATAAGTTTTCTGTATTTATACTATTAACTAAAATATTAAATTTGGAGAA-3'
Protein context (NP_940980.4, residues 542-562): IHKLVLAALN[Arg552=]FIGNPGIQKC

ClinVar aggregate classification (germline): Uncertain significance (1 of 4 stars; one submission).

Conditions:
Autosomal dominant Parkinson disease 8. Also called: Parkinson disease 8, susceptibility to; LRRK2-Related Parkinson Disease; Parkinson disease 8. Identifiers: Orphanet 411602, MedGen C1846862, MONDO:0011764, OMIM 607060.

gnomAD v4.1: 1 of 1,591,554 alleles (0.000063%); highest among the groups gnomAD compares: Non-Finnish European, 0.000086%; no homozygotes.

Submission:

Labcorp Genetics (formerly Invitae), Labcorp
Classification: Uncertain significance for Autosomal dominant Parkinson disease 8. Last evaluated: 2025-05-15. Review status: criteria provided, single submitter. Criteria: Invitae Variant Classification Sherloc (09022015). Collection method: clinical testing. Allele origin: germline.
Comment: This sequence change affects codon 552 of the LRRK2 mRNA. It is a 'silent' change, meaning that it does not change the encoded amino acid sequence of the LRRK2 protein. This variant also falls at the last nucleotide of exon 14, which is part of the consensus splice site for this exon. This variant is not present in population databases (gnomAD no frequency). This variant has not been reported in the literature in individuals affected with LRRK2-related conditions. Variants that disrupt the consensus splice site are a relatively common cause of aberrant splicing (PMID: 17576681, 9536098). Algorithms developed to predict the effect of sequence changes on RNA splicing suggest that this variant is not likely to affect RNA splicing. In summary, the available evidence is currently insufficient to determine the role of this variant in disease. Therefore, it has been classified as a Variant of Uncertain Significance.

Literature cited by the submitters: PubMed 17576681; PubMed 9536098.